The following is an entry in ClinVar:

NM_001135649.3(FOXI3):c.1121A>T (p.Asn374Ile)

Gene: FOXI3 (forkhead box I3; minus strand). Cytogenetic location: 2p11.2.
Variant type: single nucleotide variant.
Coding change: c.1121A>T on transcript NM_001135649.3 (MANE Select); coding-DNA position 1121, A replaced by T.
Protein change: p.Asn374Ile; replaces asparagine 374 with isoleucine.
Molecular consequence: missense variant.
Genome position (GRCh38, 1-based): chr2:88,448,349, T>A on the plus strand (A>T on the coding strand, the complement: FOXI3 is on the minus strand). VCF-style: chr2-88448349-T-A. GRCh37 (hg19) VCF-style: chr2-88747868-T-A.
Other names: short protein forms N374I.
Identifiers: ClinVar variation 1474322 (VCV001474322.6), dbSNP rs1052680274, ClinGen allele CA51943829.

ClinVar aggregate classification (germline): Uncertain significance (1 of 4 stars; one submission).

gnomAD v4.1: 13 of 1,551,496 alleles (0.00084%); highest among the groups gnomAD compares: African/African-American, 0.018%; no homozygotes.

Submission:

Labcorp Genetics (formerly Invitae), Labcorp
Classification: Uncertain significance. Last evaluated: 2024-03-14. Review status: criteria provided, single submitter. Criteria: Invitae Variant Classification Sherloc (09022015). Collection method: clinical testing. Allele origin: germline.
Comment: This sequence change replaces asparagine, which is neutral and polar, with isoleucine, which is neutral and non-polar, at codon 374 of the FOXI3 protein (p.Asn374Ile). This variant is present in population databases (no rsID available, gnomAD 0.02%). This variant has not been reported in the literature in individuals affected with FOXI3-related conditions. ClinVar contains an entry for this variant (Variation ID: 1474322). Experimental studies and prediction algorithms are not available or were not evaluated, and the functional significance of this variant is currently unknown. In summary, the available evidence is currently insufficient to determine the role of this variant in disease. Therefore, it has been classified as a Variant of Uncertain Significance.